The following is an entry in ClinVar:

ClinVar aggregate classification (germline): Uncertain significance (1 of 4 stars; one submission).

Conditions:
Leigh syndrome (NULS). Also called: Leigh's necrotizing encephalopathy; Leigh's disease; Leigh Syndrome (mtDNA deletion); Leigh Disease; Subacute necrotizing encephalopathy; Necrotizing encephalopathy infantile subacute of Leigh. Identifiers: Orphanet 506, MedGen C2931891, MONDO:0009723, OMIM 256000.

Submission:

Wong Mito Lab, Molecular and Human Genetics, Baylor College of Medicine
Classification: Uncertain significance for Leigh syndrome. Last evaluated: 2019-10-17. Review status: criteria provided, single submitter. Criteria: Modified ACMG Guidelines (Unpublished). Collection method: clinical testing. Allele origin: germline.
Comment: The NC_012920.1:m.4717A>T (YP_003024027.1:p.Gln83Leu) variant in MTND2 gene is interpretated to be a Uncertain Significance variant based on the modified ACMG guidelines (unpublished). This variant meets the following evidence codes: BP4

NC_012920.1(MT-ND2):m.4717A>T

Gene: MT-ND2 (mitochondrially encoded NADH dehydrogenase 2; plus strand).
Variant type: single nucleotide variant.
Genome position: chrM-4717-A-T.
Identifiers: ClinVar variation 692486 (VCV000692486.1), dbSNP rs1603219578, ClinGen allele CA414775463.